The following is an entry in ClinVar:

ClinVar aggregate classification (germline): Uncertain significance. Review status: criteria provided, multiple submitters, no conflicts (2 of 4 stars). 5 submissions from 5 submitters: Uncertain significance (5). Last evaluated 2025-08-21.

Conditions:
Inborn genetic diseases. Identifiers: MedGen C0950123, MeSH D030342.
Diffuse cerebral and cerebellar atrophy - intractable seizures - progressive microcephaly syndrome. Also called: Microcephaly, progressive, with seizures and cerebral and cerebellar atrophy. Identifiers: Orphanet 404437, MedGen C4014239, MONDO:0014335, OMIM 615760.

Allele frequency attached by ClinVar (database versions not stated): ExAC 0.00008; ESP Exome Variant Server 0.00008; gnomAD 0.00029; TOPMed 0.00073; 1000 Genomes Project 0.00140; 1000 Genomes Project 30x 0.00141.
gnomAD v4.1: 92 of 1,608,798 alleles (0.0057%); highest among the groups gnomAD compares: Admixed American, 0.078%; no homozygotes.

Submissions (5):

Ambry Genetics
Classification: Uncertain significance for Inborn genetic diseases. Last evaluated: 2025-08-21. Review status: criteria provided, single submitter. Criteria: Ambry Variant Classification Scheme 2023. Collection method: clinical testing. Allele origin: germline.

Labcorp Genetics (formerly Invitae), Labcorp
Classification: Uncertain significance for Diffuse cerebral and cerebellar atrophy - intractable seizures - progressive microcephaly syndrome. Last evaluated: 2022-10-25. Review status: criteria provided, single submitter. Criteria: Invitae Variant Classification Sherloc (09022015). Collection method: clinical testing. Allele origin: germline.
Comment: This sequence change replaces alanine, which is neutral and non-polar, with aspartic acid, which is acidic and polar, at codon 28 of the QARS protein (p.Ala28Asp). This variant is present in population databases (rs148998142, gnomAD 0.05%). This variant has not been reported in the literature in individuals affected with QARS-related conditions. ClinVar contains an entry for this variant (Variation ID: 477845). Advanced modeling of protein sequence and biophysical properties (such as structural, functional, and spatial information, amino acid conservation, physicochemical variation, residue mobility, and thermodynamic stability) has been performed at Invitae for this missense variant, however the output from this modeling did not meet the statistical confidence thresholds required to predict the impact of this variant on QARS protein function. In summary, the available evidence is currently insufficient to determine the role of this variant in disease. Therefore, it has been classified as a Variant of Uncertain Significance.

GeneDx
Classification: Uncertain significance. Last evaluated: 2021-01-25. Review status: criteria provided, single submitter. Criteria: GeneDx Variant Classification Process June 2021. Collection method: clinical testing. Allele origin: germline. Affected: yes.
Comment: In silico analysis supports that this missense variant does not alter protein structure/function; Has not been previously published as pathogenic or benign to our knowledge

Fulgent Genetics
Classification: Uncertain significance for Diffuse cerebral and cerebellar atrophy - intractable seizures - progressive microcephaly syndrome. Last evaluated: 2018-10-31. Review status: criteria provided, single submitter. Criteria: ACMG Guidelines, 2015. Collection method: clinical testing. Allele origin: unknown.

Breakthrough Genomics
Classification: Uncertain significance. Review status: criteria provided, single submitter. Criteria: ACMG Guidelines, 2015. Collection method: not provided. Allele origin: germline. Inheritance: Autosomal recessive inheritance. Affected: yes.

NM_005051.3(QARS1):c.83C>A (p.Ala28Asp)

Genes: QARS1 (glutaminyl-tRNA synthetase 1; minus strand), LOC129936736 (ATAC-STARR-seq lymphoblastoid active region 19853; plus strand). Cytogenetic location: 3p21.31.
Variant type: single nucleotide variant.
Coding change: c.83C>A on transcript NM_005051.3 (MANE Select); coding-DNA position 83, C replaced by A.
Protein change: p.Ala28Asp; replaces alanine 28 with aspartic acid.
Molecular consequence: missense variant. On other transcripts: non-coding transcript variant (1).
Genome position (GRCh38, 1-based): chr3:49,104,651, G>T on the plus strand (C>A on the coding strand, the complement: QARS1 is on the minus strand). VCF-style: chr3-49104651-G-T. GRCh37 (hg19) VCF-style: chr3-49142084-G-T.
Other names: c.83C>A, p.Ala28Asp (NM_001272073.2); c.83C>A (NM_005051.1); short protein forms A28D.
Identifiers: ClinVar variation 477845 (VCV000477845.10), dbSNP rs148998142, ClinGen allele CA2392328.
Genomic context (GRCh38, chr3:49,104,651, plus strand): 5'-CAGGCCGGGGGCAGAGGGGCTCGCACCTGAGTAGCGGCCTCGCGCAGCTGCGCGCTCAGA[G>T]CCGAGTTCTTGAGCGTCTCGCGGGCCTTCTGCTCGCTCAGGCCGAGGCTAGTGAAGAGCG-3'
Protein context (NP_005042.1, residues 18-38): QKARETLKNS[Ala28Asp]LSAQLREAAT